The following is an entry in ClinVar:

NM_003722.5(TP63):c.1264G>A (p.Glu422Lys)

Gene: TP63 (tumor protein p63; plus strand). Cytogenetic location: 3q28.
Variant type: single nucleotide variant.
Coding change: c.1264G>A on transcript NM_003722.5 (MANE Select); coding-DNA position 1264, G replaced by A.
Protein change: p.Glu422Lys; replaces glutamic acid 422 with lysine.
Molecular consequence: missense variant.
Genome position (GRCh38, 1-based): chr3:189,872,910, G>A. VCF-style: chr3-189872910-G-A. GRCh37 (hg19) VCF-style: chr3-189590699-G-A.
Other names: c.1264G>A, p.Glu422Lys (NM_001114978.2, NM_001114979.2, NM_001329144.2); c.982G>A, p.Glu328Lys (NM_001114980.2, NM_001114981.2, NM_001114982.2 and 1 more transcripts); c.727G>A, p.Glu243Lys (NM_001329146.2); c.1252G>A, p.Glu418Lys (NM_001329148.2); c.970G>A, p.Glu324Lys (NM_001329149.2); c.715G>A, p.Glu239Lys (NM_001329150.2); c.1258G>A, p.Glu420Lys (NM_001329964.2); short protein forms E239K, E243K, E324K, E328K, E418K, E420K, E422K.
Identifiers: ClinVar variation 4975511 (VCV004975511.1).

ClinVar aggregate classification (germline): Uncertain significance (1 of 4 stars; one submission).

Submission:

GeneDx
Classification: Uncertain significance. Last evaluated: 2026-01-30. Review status: criteria provided, single submitter. Criteria: GeneDx Variant Classification Process June 2021. Collection method: clinical testing. Allele origin: germline.
Comment: Not observed at significant frequency in large population cohorts (gnomAD); In silico analysis supports that this missense variant has a deleterious effect on protein structure/function; Has not been previously published as pathogenic or benign to our knowledge; This variant is associated with the following publications: (PMID: 12037717)